The following is an entry in ClinVar:

NM_002755.4(MAP2K1):c.237C>T (p.Gly79=)

Gene: MAP2K1 (mitogen-activated protein kinase kinase 1; plus strand). Cytogenetic location: 15q22.31.
Variant type: single nucleotide variant.
Coding change: c.237C>T on transcript NM_002755.4 (MANE Select); coding-DNA position 237, C replaced by T.
Protein change: p.Gly79=; no amino-acid change (glycine 79 retained).
Molecular consequence: synonymous variant.
Genome position (GRCh38, 1-based): chr15:66,435,183, C>T. VCF-style: chr15-66435183-C-T. GRCh37 (hg19) VCF-style: chr15-66727521-C-T.
Other names: p.G79G; p.G79G:GGC>GGT; p.Gly79=.
Identifiers: ClinVar variation 40782 (VCV000040782.47), dbSNP rs148656020, ClinGen allele CA134598.

ClinVar aggregate classification (germline): Benign/Likely benign. Review status: criteria provided, multiple submitters, no conflicts (2 of 4 stars). 11 submissions from 11 submitters: Benign (2); Likely benign (9). Last evaluated 2026-01-17.

Conditions:
Cardiovascular phenotype. Identifiers: MedGen CN230736.
Melorheostosis (MEL). Also called: MELORHEOSTOSIS, ISOLATED. Identifiers: Orphanet 2485, MedGen C3149631, MONDO:0007970, OMIM 155950, HP:6000817.
Cardiofaciocutaneous syndrome 3 (CFC3). Also called: MAP2K1-Related Cardiofaciocutaneous Syndrome. Identifiers: Orphanet 1340, MedGen C3809006, MONDO:0014113, OMIM 615279.
Noonan syndrome 1 (NS1). Also called: FEMALE PSEUDO-TURNER SYNDROME; TURNER PHENOTYPE WITH NORMAL KARYOTYPE; PTPN11-Related Noonan Syndrome. Identifiers: Orphanet 648, MedGen C4551602, MONDO:0008104, OMIM 163950. Disease mechanism: gain of function.
Noonan syndrome and Noonan-related syndrome. Identifiers: Orphanet 98733, MedGen C5681679, MONDO:0020297.
RASopathy. Also called: rasopathies; Noonan spectrum disorder. Identifiers: Orphanet 536391, MedGen C5555857, MONDO:0021060.

Allele frequency attached by ClinVar (database versions not stated): ExAC 0.00012; ESP Exome Variant Server 0.00015; 1000 Genomes Project 30x 0.00016; gnomAD exomes 0.00016 and 0.00030; 1000 Genomes Project 0.00020; TOPMed 0.00022; gnomAD 0.00024.
gnomAD v4.1: 466 of 1,614,010 alleles (0.029%); highest among the groups gnomAD compares: Non-Finnish European, 0.035%; no homozygotes.

Submissions (11):

Labcorp Genetics (formerly Invitae), Labcorp
Classification: Likely benign for RASopathy. Last evaluated: 2026-01-17. Review status: criteria provided, single submitter. Criteria: Invitae Variant Classification Sherloc (09022015). Collection method: clinical testing. Allele origin: germline.

CeGaT Center for Human Genetics Tuebingen
Classification: Likely benign. Last evaluated: 2026-01-01. Review status: criteria provided, single submitter. Criteria: CeGaT Center For Human Genetics Tuebingen Variant Classification Criteria Version 2. Collection method: clinical testing. Allele origin: germline. Affected: yes. Observed: 4 variant alleles.
Comment: MAP2K1: BP4, BP7

Mayo Clinic Laboratories, Mayo Clinic
Classification: Likely benign. Last evaluated: 2025-06-25. Review status: criteria provided, single submitter. Criteria: ACMG Guidelines, 2015. Collection method: clinical testing. Allele origin: germline. Observed: 3 variant alleles.
Comment: BS1, BP4, BP7

Blueprint Genetics
Classification: Likely benign. Last evaluated: 2024-11-05. Review status: criteria provided, single submitter. Criteria: ACMG Guidelines, 2015. Collection method: clinical testing. Allele origin: germline.

Women's Health and Genetics/Laboratory Corporation of America, LabCorp
Classification: Benign. Last evaluated: 2022-03-28. Review status: criteria provided, single submitter. Criteria: LabCorp Variant Classification Summary - May 2015. Collection method: clinical testing. Allele origin: germline.

Fulgent Genetics
Classification: Likely benign for Melorheostosis; Noonan syndrome 1; Cardiofaciocutaneous syndrome 3. Last evaluated: 2021-10-29. Review status: criteria provided, single submitter. Criteria: ACMG Guidelines, 2015. Collection method: clinical testing. Allele origin: unknown.

Ambry Genetics
Classification: Likely benign for Cardiovascular phenotype. Last evaluated: 2021-04-27. Review status: criteria provided, single submitter. Criteria: Ambry Variant Classification Scheme 2023. Collection method: clinical testing. Allele origin: germline.

Genome Diagnostics Laboratory, The Hospital for Sick Children
Classification: Likely benign for Noonan syndrome and Noonan-related syndrome. Last evaluated: 2018-03-01. Review status: criteria provided, single submitter. Criteria: ACMG Guidelines, 2015. Collection method: clinical testing. Allele origin: germline.

Laboratory for Molecular Medicine, Mass General Brigham Personalized Medicine
Classification: Likely benign. Last evaluated: 2013-01-30. Review status: criteria provided, single submitter. Criteria: LMM Criteria. Collection method: clinical testing. Allele origin: germline. Observed: 4 variant alleles.
Comment: p.Gly79Gly in exon 2 of MAP2K1: This variant is not expected to have clinical si gnificance because it does not alter an amino acid residue and is not located wi thin the splice consensus sequence. It has been identified in 3/10406 of African chromosomes by the Exome Aggregation Consortium (ExAC; dbSNP rs148656020).

GeneDx
Classification: Benign. Last evaluated: 2013-01-24. Review status: criteria provided, single submitter. Criteria: GeneDx Variant Classification (06012015). Collection method: clinical testing. Allele origin: germline. Affected: yes.
Comment: This variant is considered likely benign or benign based on one or more of the following criteria: it is a conservative change, it occurs at a poorly conserved position in the protein, it is predicted to be benign by multiple in silico algorithms, and/or has population frequency not consistent with disease.

PreventionGenetics, part of Exact Sciences
Classification: Likely benign. Review status: criteria provided, single submitter. Criteria: ACMG Guidelines, 2015. Collection method: clinical testing. Allele origin: germline.